The following is an entry in ClinVar:

NM_001375524.1(TRRAP):c.4671G>A (p.Ala1557=)

Gene: TRRAP (transformation/transcription domain associated protein; plus strand). Cytogenetic location: 7q22.1.
Variant type: single nucleotide variant.
Coding change: c.4671G>A on transcript NM_001375524.1 (MANE Select); coding-DNA position 4671, G replaced by A.
Protein change: p.Ala1557=; no amino-acid change (alanine 1557 retained).
Molecular consequence: synonymous variant.
Genome position (GRCh38, 1-based): chr7:98,948,568, G>A. VCF-style: chr7-98948568-G-A. GRCh37 (hg19) VCF-style: chr7-98546191-G-A.
Other names: c.4650G>A, p.Ala1550= (NM_001244580.2); c.4596G>A, p.Ala1532= (NM_003496.4); c.4596G>A (NM_003496.3).
Identifiers: ClinVar variation 2055184 (VCV002055184.6), dbSNP rs147905152, ClinGen allele CA4360357.

ClinVar aggregate classification (germline): Benign. Review status: criteria provided, single submitter (1 of 4 stars). 2 submissions from 2 submitters: Benign (1). 1 of the submissions does not count toward it. Last evaluated 2025-12-19.

Conditions:
TRRAP-related disorder. Also called: TRRAP-related condition.

Allele frequency attached by ClinVar (database versions not stated): ExAC 0.00012; ESP Exome Variant Server 0.00031.

Submissions (2):

Labcorp Genetics (formerly Invitae), Labcorp
Classification: Benign. Last evaluated: 2025-12-19. Review status: criteria provided, single submitter. Criteria: Invitae Variant Classification Sherloc (09022015). Collection method: clinical testing. Allele origin: germline.

PreventionGenetics, part of Exact Sciences
Classification: Likely benign for TRRAP-related condition. Last evaluated: 2019-03-05. Review status: no assertion criteria provided. Collection method: clinical testing. Allele origin: germline. Not counted in ClinVar's aggregate classification.
Comment: This variant is classified as likely benign based on ACMG/AMP sequence variant interpretation guidelines (Richards et al. 2015 PMID: 25741868, with internal and published modifications).